The following is an entry in ClinVar:

ClinVar aggregate classification (germline): Uncertain significance (1 of 4 stars; one submission).

Conditions:
Familial episodic pain syndrome with predominantly lower limb involvement. Also called: Episodic pain syndrome, familial, 3. Identifiers: Orphanet 391384, Orphanet 391392, MedGen C3809899, MONDO:0014247, OMIM 615552.
Hereditary sensory and autonomic neuropathy type 7. Also called: Neuropathy, hereditary sensory and autonomic, type VII; HSAN VII. Identifiers: Orphanet 391397, MedGen C3809882, MONDO:0014244, OMIM 615548.

Submission:

Labcorp Genetics (formerly Invitae), Labcorp
Classification: Uncertain significance for Familial episodic pain syndrome with predominantly lower limb involvement; Hereditary sensory and autonomic neuropathy type 7. Last evaluated: 2025-05-11. Review status: criteria provided, single submitter. Criteria: Invitae Variant Classification Sherloc (09022015). Collection method: clinical testing. Allele origin: germline.
Comment: This sequence change replaces methionine, which is neutral and non-polar, with arginine, which is basic and polar, at codon 773 of the SCN11A protein (p.Met773Arg). This variant is not present in population databases (gnomAD no frequency). This variant has not been reported in the literature in individuals affected with SCN11A-related conditions. Invitae Evidence Modeling of protein sequence and biophysical properties (such as structural, functional, and spatial information, amino acid conservation, physicochemical variation, residue mobility, and thermodynamic stability) indicates that this missense variant is expected to disrupt SCN11A protein function with a positive predictive value of 80%. In summary, the available evidence is currently insufficient to determine the role of this variant in disease. Therefore, it has been classified as a Variant of Uncertain Significance.

NM_001349253.2(SCN11A):c.2318T>G (p.Met773Arg)

Gene: SCN11A (sodium voltage-gated channel alpha subunit 11; minus strand). Cytogenetic location: 3p22.2.
Variant type: single nucleotide variant.
Coding change: c.2318T>G on transcript NM_001349253.2 (MANE Select); coding-DNA position 2318, T replaced by G.
Protein change: p.Met773Arg; replaces methionine 773 with arginine.
Molecular consequence: missense variant.
Genome position (GRCh38, 1-based): chr3:38,896,930, A>C on the plus strand (T>G on the coding strand, the complement: SCN11A is on the minus strand). VCF-style: chr3-38896930-A-C. GRCh37 (hg19) VCF-style: chr3-38938421-A-C.
Other names: c.2318T>G, p.Met773Arg (NM_014139.3); short protein forms M773R.
Identifiers: ClinVar variation 4792725 (VCV004792725.1).